The following is an entry in ClinVar:

ClinVar aggregate classification (germline): Uncertain significance. Review status: criteria provided, multiple submitters, no conflicts (2 of 4 stars). 4 submissions from 4 submitters: Uncertain significance (3). 1 of the submissions does not count toward it. Last evaluated 2025-09-02.

Conditions:
Retinitis pigmentosa 71 (RP71). Identifiers: Orphanet 791, MedGen C4225342, MONDO:0014618, OMIM 616394.
Short-rib thoracic dysplasia 10 with or without polydactyly (SRTD10). Identifiers: Orphanet 474, MedGen C3810175, MONDO:0014284, OMIM 615630.
Inborn genetic diseases. Identifiers: MedGen C0950123, MeSH D030342.
IFT172-related disorder. Also called: IFT172-related disorders; IFT172-related condition.

Allele frequency attached by ClinVar (database versions not stated): ExAC 0.00002; gnomAD 0.00004; TOPMed 0.00004; gnomAD exomes 0.00005 and 0.00009.
gnomAD v4.1: 140 of 1,613,964 alleles (0.0087%); highest among the groups gnomAD compares: Non-Finnish European, 0.012%; no homozygotes.

Submissions (4):

Labcorp Genetics (formerly Invitae), Labcorp
Classification: Uncertain significance for Retinitis pigmentosa 71; Short-rib thoracic dysplasia 10 with or without polydactyly. Last evaluated: 2025-09-02. Review status: criteria provided, single submitter. Criteria: Invitae Variant Classification Sherloc (09022015). Collection method: clinical testing. Allele origin: germline.
Comment: This sequence change replaces tyrosine, which is neutral and polar, with cysteine, which is neutral and slightly polar, at codon 744 of the IFT172 protein (p.Tyr744Cys). This variant is present in population databases (rs201991482, gnomAD 0.01%). This variant has not been reported in the literature in individuals affected with IFT172-related conditions. ClinVar contains an entry for this variant (Variation ID: 1047774). Invitae Evidence Modeling of protein sequence and biophysical properties (such as structural, functional, and spatial information, amino acid conservation, physicochemical variation, residue mobility, and thermodynamic stability) has been performed for this missense variant. However, the output from this modeling did not meet the statistical confidence thresholds required to predict the impact of this variant on IFT172 protein function. In summary, the available evidence is currently insufficient to determine the role of this variant in disease. Therefore, it has been classified as a Variant of Uncertain Significance.

Ambry Genetics
Classification: Uncertain significance for Inborn genetic diseases. Last evaluated: 2025-06-17. Review status: criteria provided, single submitter. Criteria: Ambry Variant Classification Scheme 2023. Collection method: clinical testing. Allele origin: germline.

Blueprint Genetics
Classification: Uncertain significance. Last evaluated: 2024-08-16. Review status: criteria provided, single submitter. Criteria: ACMG Guidelines, 2015. Collection method: clinical testing. Allele origin: germline.

PreventionGenetics, part of Exact Sciences
Classification: Uncertain significance for IFT172-related condition. Last evaluated: 2024-07-09. Review status: no assertion criteria provided. Collection method: clinical testing. Allele origin: germline. Not counted in ClinVar's aggregate classification.
Comment: The IFT172 c.2231A>G variant is predicted to result in the amino acid substitution p.Tyr744Cys. To our knowledge, this variant has not been reported in the literature. This variant is reported in 0.011% of alleles in individuals of European (Non-Finnish) descent in gnomAD. At this time, the clinical significance of this variant is uncertain due to the absence of conclusive functional and genetic evidence.

NM_015662.3(IFT172):c.2231A>G (p.Tyr744Cys)

Gene: IFT172 (intraflagellar transport 172; minus strand). Cytogenetic location: 2p23.3.
Variant type: single nucleotide variant.
Coding change: c.2231A>G on transcript NM_015662.3 (MANE Select); coding-DNA position 2231, A replaced by G.
Protein change: p.Tyr744Cys; replaces tyrosine 744 with cysteine.
Molecular consequence: missense variant.
Genome position (GRCh38, 1-based): chr2:27,461,480, T>C on the plus strand (A>G on the coding strand, the complement: IFT172 is on the minus strand). VCF-style: chr2-27461480-T-C. GRCh37 (hg19) VCF-style: chr2-27684347-T-C.
Other names: c.2231A>G (NM_015662.2, NM_015662.1); short protein forms Y744C.
Identifiers: ClinVar variation 1047774 (VCV001047774.9), dbSNP rs201991482, ClinGen allele CA1580353.